The following is an entry in ClinVar:

ClinVar aggregate classification (germline): Uncertain significance (1 of 4 stars; one submission).

Conditions:
Brain small vessel disease 3. Identifiers: MedGen C5193053, MONDO:0100105, OMIM 618360.

Allele frequency attached by ClinVar (database versions not stated): 1000 Genomes Project 30x 0.00031; ExAC 0.00038; 1000 Genomes Project 0.00040; TOPMed 0.00067; gnomAD exomes 0.00115; gnomAD 0.00053; ESP Exome Variant Server 0.00123.
gnomAD v4.1: 1,762 of 1,610,386 alleles (0.11%); highest among the groups gnomAD compares: Non-Finnish European, 0.14%; 2 homozygotes.

Submission:

Labcorp Genetics (formerly Invitae), Labcorp
Classification: Uncertain significance. Last evaluated: 2022-08-09. Review status: criteria provided, single submitter. Criteria: Invitae Variant Classification Sherloc (09022015). Collection method: clinical testing. Allele origin: germline.
Comment: This sequence change replaces serine, which is neutral and polar, with glycine, which is neutral and non-polar, at codon 383 of the COLGALT1 protein (p.Ser383Gly). This variant is present in population databases (rs148691858, gnomAD 0.07%). This variant has not been reported in the literature in individuals affected with COLGALT1-related conditions. Algorithms developed to predict the effect of missense changes on protein structure and function are either unavailable or do not agree on the potential impact of this missense change (SIFT: "Not Available"; PolyPhen-2: "Possibly Damaging"; Align-GVGD: "Not Available"). In summary, the available evidence is currently insufficient to determine the role of this variant in disease. Therefore, it has been classified as a Variant of Uncertain Significance.

NM_024656.4(COLGALT1):c.1147A>G (p.Ser383Gly)

Gene: COLGALT1 (collagen beta(1-O)galactosyltransferase 1; plus strand). Cytogenetic location: 19p13.11.
Variant type: single nucleotide variant.
Coding change: c.1147A>G on transcript NM_024656.4 (MANE Select); coding-DNA position 1147, A replaced by G.
Protein change: p.Ser383Gly; replaces serine 383 with glycine.
Molecular consequence: missense variant.
Genome position (GRCh38, 1-based): chr19:17,577,970, A>G. VCF-style: chr19-17577970-A-G. GRCh37 (hg19) VCF-style: chr19-17688779-A-G.
Other names: c.1147A>G (NM_024656.3); short protein forms S383G.
Identifiers: ClinVar variation 2039519 (VCV002039519.2), dbSNP rs148691858, ClinGen allele CA9297194.